The following is an entry in ClinVar:

NM_001080467.3(MYO5B):c.4702-9C>T

Genes: SNHG22 (small nucleolar RNA host gene 22; plus strand), MYO5B (myosin VB; minus strand). Cytogenetic location: 18q21.1.
Variant type: single nucleotide variant.
Coding change: c.4702-9C>T on transcript NM_001080467.3 (MANE Select); 9 bases into the intron before coding-DNA position 4702, C replaced by T.
Molecular consequence: intron variant. On other transcripts: non-coding transcript variant (1).
Genome position (GRCh38, 1-based): chr18:49,839,303, G>A on the plus strand (C>T on the coding strand, the complement: MYO5B is on the minus strand). VCF-style: chr18-49839303-G-A. GRCh37 (hg19) VCF-style: chr18-47365673-G-A.
Identifiers: ClinVar variation 327007 (VCV000327007.18), dbSNP rs147405294, ClinGen allele CA8960239.

ClinVar aggregate classification (germline): Conflicting classifications of pathogenicity. Review status: criteria provided, conflicting classifications (1 of 4 stars). 4 submissions from 4 submitters: Uncertain significance (1); Benign (1); Likely benign (1). 1 of the submissions does not count toward it. Last evaluated 2026-01-21.

Conditions:
MYO5B-related disorder. Also called: MYO5B-related condition.
Congenital microvillous atrophy (DIAR2). Also called: CONGENITAL FAMILIAL PROTRACTED DIARRHEA WITH ENTEROCYTE BRUSH-BORDER ABNORMALITIES; DAVIDSON DISEASE; Diarrhea 2 with microvillus atrophy, with or without cholestasis; MICROVILLUS ATROPHY, CONGENITAL; Microvillus inclusion disease. Identifiers: Orphanet 2290, MedGen C0341306, MONDO:0009635, OMIM 251850.

Allele frequency attached by ClinVar (database versions not stated): 1000 Genomes Project 30x 0.00016; 1000 Genomes Project 0.00020; gnomAD 0.00100 and 0.00108; TOPMed 0.00106; gnomAD exomes 0.00121 and 0.00161; ExAC 0.00149; ESP Exome Variant Server 0.00172.
gnomAD v4.1: 2,472 of 1,612,766 alleles (0.15%); highest among the groups gnomAD compares: Non-Finnish European, 0.2%; 4 homozygotes.

Submissions (4):

Labcorp Genetics (formerly Invitae), Labcorp
Classification: Benign. Last evaluated: 2026-01-21. Review status: criteria provided, single submitter. Criteria: Invitae Variant Classification Sherloc (09022015). Collection method: clinical testing. Allele origin: germline.

Blueprint Genetics
Classification: Likely benign. Last evaluated: 2024-10-18. Review status: criteria provided, single submitter. Criteria: ACMG Guidelines, 2015. Collection method: clinical testing. Allele origin: germline.

Illumina Laboratory Services, Illumina
Classification: Uncertain significance for Congenital microvillous atrophy. Last evaluated: 2018-01-13. Review status: criteria provided, single submitter. Criteria: ICSL Variant Classification Criteria 13 December 2019. Collection method: clinical testing. Allele origin: germline.

PreventionGenetics, part of Exact Sciences
Classification: Likely benign for MYO5B-related condition. Last evaluated: 2019-07-21. Review status: no assertion criteria provided. Collection method: clinical testing. Allele origin: germline. Not counted in ClinVar's aggregate classification.
Comment: This variant is classified as likely benign based on ACMG/AMP sequence variant interpretation guidelines (Richards et al. 2015 PMID: 25741868, with internal and published modifications).